The following is an entry in ClinVar:

ClinVar aggregate classification (germline): Pathogenic (1 of 4 stars; one submission).

Conditions:
Isolated microphthalmia 8. Identifiers: Orphanet 2542, MedGen C3554524, MONDO:0014050, OMIM 615113.

gnomAD v4.1: 1 of 1,614,194 alleles (0.000062%); highest among the groups gnomAD compares: Non-Finnish European, 0.000085%; no homozygotes.

Submission:

Molecular Genetics of Human Eye Development, Oxford Brookes University
Classification: Pathogenic for Isolated microphthalmia 8. Last evaluated: 2022-09-01. Review status: criteria provided, single submitter. Criteria: ACMG Guidelines, 2015. Collection method: research. Allele origin: inherited. Affected: yes. Observed: 1 variant allele.
Comment: compound heterozygous with NM_000693.4:c.100-2A>G

NM_000693.4(ALDH1A3):c.566G>A (p.Trp189Ter)

Genes: ALDH1A3 (aldehyde dehydrogenase 1 family member A3; plus strand), ALDH1A3-AS1 (ALDH1A3 antisense RNA 1; minus strand). Cytogenetic location: 15q26.3.
Variant type: single nucleotide variant.
Coding change: c.566G>A on transcript NM_000693.4 (MANE Select); coding-DNA position 566, G replaced by A.
Protein change: p.Trp189Ter; replaces tryptophan 189 with a stop codon.
Molecular consequence: nonsense. On other transcripts: non-coding transcript variant (1), intron variant (1).
Genome position (GRCh38, 1-based): chr15:100,893,982, G>A. VCF-style: chr15-100893982-G-A. GRCh37 (hg19) VCF-style: chr15-101434187-G-A.
Other names: c.346-1951G>A (NM_001293815.2); short protein forms W189*.
Identifiers: ClinVar variation 1803002 (VCV001803002.2), dbSNP rs2505549879, ClinGen allele CA393941982.